The following is an entry in ClinVar:

NM_024312.5(GNPTAB):c.2657_2660del (p.Asp886fs)

Gene: GNPTAB (N-acetylglucosamine-1-phosphate transferase subunits alpha and beta; minus strand). Cytogenetic location: 12q23.2.
Variant type: Deletion.
Coding change: c.2657_2660del on transcript NM_024312.5 (MANE Select); coding-DNA positions 2657 to 2660, 4 bases deleted (ATAG; older notation c.2657_2660delATAG).
Protein change: p.Asp886fs; shifts the reading frame from aspartic acid 886.
Molecular consequence: frameshift variant.
Genome position (GRCh38, 1-based): chr12:101,764,257-101,764,260, CTAT deleted on the plus strand (ATAG on the coding strand, the reverse complement: GNPTAB is on the minus strand); deleting any 4 consecutive bases within chr12:101,764,257-101,764,262 gives the same sequence; the c. name uses the placement nearest the transcript's 3' end. VCF-style (leftmost placement, unchanged base first): chr12-101764256-ACTAT-A. GRCh37 (hg19) VCF-style: chr12-102158034-ACTAT-A.
Other names: short protein forms D886fs.
Identifiers: ClinVar variation 1072768 (VCV001072768.7), dbSNP rs2137115943, ClinGen allele CA2499221386.

ClinVar aggregate classification (germline): Pathogenic (1 of 4 stars; one submission).

Conditions:
Mucolipidosis type II. Also called: ML II ALPHA/BETA; Mucolipidosis 2; ML 2; Inclusion cell disease; Leroy Disease; N-acetylglucosamine 1phosphotransferase deficiency. Identifiers: Orphanet 576, MedGen C2673377, MONDO:0009650, OMIM 252500.
Pseudo-Hurler polydystrophy. Also called: MUCOLIPIDOSIS IIIA; ML III; ML III ALPHA/BETA; Type III Mucolipidosis; ML IIIA; Mucolipidosis III Alpha/Beta. Identifiers: Orphanet 423461, Orphanet 577, MedGen C0033788, MONDO:0018931, OMIM 252600.

Submission:

Labcorp Genetics (formerly Invitae), Labcorp
Classification: Pathogenic for Pseudo-Hurler polydystrophy; Mucolipidosis type II. Last evaluated: 2020-04-22. Review status: criteria provided, single submitter. Criteria: Invitae Variant Classification Sherloc (09022015). Collection method: clinical testing. Allele origin: germline.
Comment: This sequence change creates a premature translational stop signal (p.Asp886Valfs*24) in the GNPTAB gene. It is expected to result in an absent or disrupted protein product. This variant is not present in population databases (ExAC no frequency). This variant has not been reported in the literature in individuals with GNPTAB-related conditions. Loss-of-function variants in GNPTAB are known to be pathogenic (PMID: 19617216, 25107912). For these reasons, this variant has been classified as Pathogenic.

Literature cited by the submitters: PubMed 19617216; PubMed 25107912.